The following is an entry in ClinVar:

NM_182916.3(TRNT1):c.538A>T (p.Lys180Ter)

Gene: TRNT1 (tRNA nucleotidyl transferase 1; plus strand). Cytogenetic location: 3p26.2.
Variant type: single nucleotide variant.
Coding change: c.538A>T on transcript NM_182916.3 (MANE Select); coding-DNA position 538, A replaced by T.
Protein change: p.Lys180Ter; replaces lysine 180 with a stop codon.
Molecular consequence: nonsense. On other transcripts: non-coding transcript variant (8).
Genome position (GRCh38, 1-based): chr3:3,144,640, A>T. VCF-style: chr3-3144640-A-T. GRCh37 (hg19) VCF-style: chr3-3186324-A-T.
Other names: c.538A>T, p.Lys180Ter (NM_001302946.2, NM_001367321.1, NM_001367322.1 and 1 more transcripts); short protein forms K180*.
Identifiers: ClinVar variation 836471 (VCV000836471.7), dbSNP rs762873423, ClinGen allele CA2228708.
Genomic context (GRCh38, chr3:3,144,640, plus strand): 5'-ATAGGTTTTGATGGCACTTTATTTGACTACTTTAATGGTTATGAAGATTTAAAAAATAAG[A>T]AAGTTAGATTTGTTGGACATGCTAAACAGAGAATACAAGAGGATTATCTTAGAATTTTAA-3'

ClinVar aggregate classification (germline): Pathogenic (1 of 4 stars; one submission).

Conditions:
Congenital sideroblastic anemia-B-cell immunodeficiency-periodic fever-developmental delay syndrome. Also called: Sideroblastic anemia with B-cell immunodeficiency, periodic fevers, and developmental delay. Identifiers: Orphanet 369861, MedGen C4015172, MONDO:0014487, OMIM 616084.

Allele frequency attached by ClinVar (database versions not stated): TOPMed below 0.00001; gnomAD exomes 0.00002 and 0.00004; ExAC 0.00006.
gnomAD v4.1: 11 of 1,586,662 alleles (0.00069%); highest among the groups gnomAD compares: Admixed American, 0.017%; no homozygotes.

Submission:

Labcorp Genetics (formerly Invitae), Labcorp
Classification: Pathogenic for Congenital sideroblastic anemia-B-cell immunodeficiency-periodic fever-developmental delay syndrome. Last evaluated: 2025-02-03. Review status: criteria provided, single submitter. Criteria: Invitae Variant Classification Sherloc (09022015). Collection method: clinical testing. Allele origin: germline.
Comment: This sequence change creates a premature translational stop signal (p.Lys180*) in the TRNT1 gene. It is expected to result in an absent or disrupted protein product. Loss-of-function variants in TRNT1 are known to be pathogenic (PMID: 25193871). This variant is present in population databases (rs762873423, gnomAD 0.03%). This variant has not been reported in the literature in individuals affected with TRNT1-related conditions. ClinVar contains an entry for this variant (Variation ID: 836471). Algorithms developed to predict the effect of sequence changes on RNA splicing suggest that this variant may disrupt the consensus splice site. For these reasons, this variant has been classified as Pathogenic.

Literature cited by the submitters: PubMed 25193871.